The following is an entry in ClinVar:

NM_021118.3(CYLC1):c.819A>T (p.Ser273=)

Gene: CYLC1 (cylicin 1; plus strand). Cytogenetic location: Xq21.1.
Variant type: single nucleotide variant.
Coding change: c.819A>T on transcript NM_021118.3 (MANE Select); coding-DNA position 819, A replaced by T.
Protein change: p.Ser273=; no amino-acid change (serine 273 retained).
Molecular consequence: synonymous variant. On other transcripts: intron variant (1).
Genome position (GRCh38, 1-based): chrX:83,873,527, A>T. VCF-style: chrX-83873527-A-T. GRCh37 (hg19) VCF-style: chrX-83128535-A-T.
Other names: c.174+1957A>T (NM_001271680.2).
Identifiers: ClinVar variation 3025797 (VCV003025797.22), dbSNP rs1022918879, ClinGen allele CA517479538.
Genomic context (GRCh38, chrX:83,873,527, plus strand): 5'-GTCTGATGATGAATCCATAAATTTTGATGCATGGTTAAGGAATTACTCACAGAATAATTC[A>T]AAGAATTATTCTTTGAAGTATACAAAGTATACAAAGAAGGACACAAAAAAGAATGCAAAG-3'
Protein context (NP_066941.1, residues 263-283): AWLRNYSQNN[Ser273=]KNYSLKYTKY

ClinVar aggregate classification (germline): Likely benign (1 of 4 stars; one submission).

Submission:

CeGaT Center for Human Genetics Tuebingen
Classification: Likely benign. Last evaluated: 2023-12-01. Review status: criteria provided, single submitter. Criteria: CeGaT Center For Human Genetics Tuebingen Variant Classification Criteria Version 2. Collection method: clinical testing. Allele origin: germline. Affected: yes. Observed: 1 variant allele.
Comment: CYLC1: PM2:Supporting, BP4, BP7